The following is an entry in ClinVar:

ClinVar aggregate classification (germline): Likely benign (0 of 4 stars; one submission).

Conditions:
NCOA1-related disorder. Also called: NCOA1-related condition.

gnomAD v4.1: 98 of 1,614,192 alleles (0.0061%); highest among the groups gnomAD compares: South Asian, 0.1%; no homozygotes.

Submission:

PreventionGenetics, part of Exact Sciences
Classification: Likely benign for NCOA1-related condition. Last evaluated: 2022-03-01. Review status: no assertion criteria provided. Collection method: clinical testing. Allele origin: germline.
Comment: This variant is classified as likely benign based on ACMG/AMP sequence variant interpretation guidelines (Richards et al. 2015 PMID: 25741868, with internal and published modifications).

NM_003743.5(NCOA1):c.1902G>A (p.Val634=)

Gene: NCOA1 (nuclear receptor coactivator 1; plus strand). Cytogenetic location: 2p23.3.
Variant type: single nucleotide variant.
Coding change: c.1902G>A on transcript NM_003743.5 (MANE Select); coding-DNA position 1902, G replaced by A.
Protein change: p.Val634=; no amino-acid change (valine 634 retained).
Molecular consequence: synonymous variant.
Genome position (GRCh38, 1-based): chr2:24,707,372, G>A. VCF-style: chr2-24707372-G-A. GRCh37 (hg19) VCF-style: chr2-24930241-G-A.
Other names: c.1902G>A, p.Val634= (NM_001362950.1, NM_001362952.1, NM_001362954.1 and 3 more transcripts).
Identifiers: ClinVar variation 3358771 (VCV003358771.1).